The following is an entry in ClinVar:

ClinVar aggregate classification (germline): Benign. Review status: criteria provided, multiple submitters, no conflicts (2 of 4 stars). 3 submissions from 3 submitters: Benign (3). Last evaluated 2021-12-05.

Conditions:
Hereditary spastic paraplegia 53. Also called: Spastic paraplegia 53, autosomal recessive. Identifiers: Orphanet 319199, MedGen C3539494, MONDO:0013962, OMIM 614898.

Allele frequency attached by ClinVar (database versions not stated): 1000 Genomes Project 30x 0.26765; 1000 Genomes Project 0.26817; TOPMed 0.35617; gnomAD 0.37051 and 0.37262; ESP Exome Variant Server 0.38423.
gnomAD v4.1: 767,068 of 1,610,246 alleles (48%); highest among the groups gnomAD compares: Non-Finnish European, 53%; 193,627 homozygotes.

Submissions (3):

Genome-Nilou Lab
Classification: Benign for Hereditary spastic paraplegia 53. Last evaluated: 2021-12-05. Review status: criteria provided, single submitter. Criteria: ACMG Guidelines, 2015. Collection method: clinical testing. Allele origin: germline. Affected: no.

GeneDx
Classification: Benign. Last evaluated: 2018-06-14. Review status: criteria provided, single submitter. Criteria: GeneDx Variant Classification (06012015). Collection method: clinical testing. Allele origin: germline. Affected: yes.
Comment: This variant is considered likely benign or benign based on one or more of the following criteria: it is a conservative change, it occurs at a poorly conserved position in the protein, it is predicted to be benign by multiple in silico algorithms, and/or has population frequency not consistent with disease.

Breakthrough Genomics
Classification: Benign. Review status: criteria provided, single submitter. Criteria: ACMG Guidelines, 2015. Collection method: not provided. Allele origin: germline. Inheritance: Autosomal recessive inheritance. Affected: yes.

NM_152415.3(VPS37A):c.841+23G>A

Gene: VPS37A (VPS37A subunit of ESCRT-I; plus strand). Cytogenetic location: 8p22.
Variant type: single nucleotide variant.
Coding change: c.841+23G>A on transcript NM_152415.3 (MANE Select); 23 bases into the intron after coding-DNA position 841, G replaced by A.
Molecular consequence: intron variant.
Genome position (GRCh38, 1-based): chr8:17,280,178, G>A. VCF-style: chr8-17280178-G-A. GRCh37 (hg19) VCF-style: chr8-17137687-G-A.
Other names: c.571+23G>A (NM_001363172.2, NM_001363168.1, NM_001363170.1 and 2 more transcripts); c.841+23G>A (NM_001363173.2, NM_001363167.1); c.766+23G>A (NM_001145152.2).
Identifiers: ClinVar variation 670833 (VCV000670833.3), dbSNP rs3213601, ClinGen allele CA4643513.
Genomic context (GRCh38, chr8:17,280,178, plus strand): 5'-CAAAGATGACTTAGTAAAAAGTATTGAGGAACTAGCAAGTATGTTTTCCCTCTCCTGAGC[G>A]CACATTTCCTGAAAAAAATCTCATCTTTACCTAGAAGTAAACTAGAGATTTATCTTACAG-3'